The following is an entry in ClinVar:

ClinVar aggregate classification (germline): Pathogenic (1 of 4 stars; one submission).

Conditions:
Developmental and epileptic encephalopathy 94 (DEE94). Also called: Epileptic encephalopathy, childhood-onset; CHD2-Related Neurodevelopmental Disorders. Identifiers: Orphanet 1942, Orphanet 2382, MedGen C3809278, MONDO:0014150, OMIM 615369.

Submission:

Labcorp Genetics (formerly Invitae), Labcorp
Classification: Pathogenic for Epileptic encephalopathy, childhood-onset. Last evaluated: 2018-12-30. Review status: criteria provided, single submitter. Criteria: Invitae Variant Classification Sherloc (09022015). Collection method: clinical testing. Allele origin: germline.
Comment: This sequence change creates a premature translational stop signal (p.Gln1392*) in the CHD2 gene. It is expected to result in an absent or disrupted protein product. This variant is not present in population databases (ExAC no frequency). This variant has not been reported in the literature in individuals with CHD2-related conditions. Loss-of-function variants in CHD2 are known to be pathogenic (PMID: 23708187, 24207121). For these reasons, this variant has been classified as Pathogenic.

NM_001271.4(CHD2):c.4174C>T (p.Gln1392Ter)

Gene: CHD2 (chromodomain helicase DNA binding protein 2; plus strand). Cytogenetic location: 15q26.1.
Variant type: single nucleotide variant.
Coding change: c.4174C>T on transcript NM_001271.4 (MANE Select); coding-DNA position 4174, C replaced by T.
Protein change: p.Gln1392Ter; replaces glutamine 1392 with a stop codon.
Molecular consequence: nonsense.
Genome position (GRCh38, 1-based): chr15:93,002,213, C>T. VCF-style: chr15-93002213-C-T. GRCh37 (hg19) VCF-style: chr15-93545443-C-T.
Other names: short protein forms Q1392*.
Identifiers: ClinVar variation 645522 (VCV000645522.1), dbSNP rs3210462, ClinGen allele CA393900852.
Genomic context (GRCh38, chr15:93,002,213, plus strand): 5'-TCATAGCCCTGTTTTGTTTCCTAGGATGATGGCTTGGAAAAAAGTCCAATGAAAAAAAAA[C>T]AGAAGAAGAAAGAGAACAAGGAGAACAAGGAGAAACAAATGAGTTCTAGGAAAGACAAAG-3'